The following is an entry in ClinVar:

ClinVar aggregate classification (germline): Uncertain significance (1 of 4 stars; one submission).

gnomAD v4.1: 2 of 1,614,108 alleles (0.00012%); highest among the groups gnomAD compares: Middle Eastern, 0.016%; no homozygotes.

Submission:

GeneDx
Classification: Uncertain significance. Last evaluated: 2024-06-25. Review status: criteria provided, single submitter. Criteria: GeneDx Variant Classification Process June 2021. Collection method: clinical testing. Allele origin: germline. Affected: yes.
Comment: Not observed at significant frequency in large population cohorts (gnomAD); In silico analysis supports that this missense variant has a deleterious effect on protein structure/function; Has not been previously published as pathogenic or benign to our knowledge

NM_001256012.3(MYH10):c.1330C>T (p.Arg444Cys)

Gene: MYH10 (myosin heavy chain 10; minus strand). Cytogenetic location: 17p13.1.
Variant type: single nucleotide variant.
Coding change: c.1330C>T on transcript NM_001256012.3 (MANE Select); coding-DNA position 1330, C replaced by T.
Protein change: p.Arg444Cys; replaces arginine 444 with cysteine.
Molecular consequence: missense variant.
Genome position (GRCh38, 1-based): chr17:8,545,549, G>A on the plus strand (C>T on the coding strand, the complement: MYH10 is on the minus strand). VCF-style: chr17-8545549-G-A. GRCh37 (hg19) VCF-style: chr17-8448867-G-A.
Other names: c.1327C>T, p.Arg443Cys (NM_001256095.2); c.1330C>T, p.Arg444Cys (NM_001375266.1); c.1300C>T, p.Arg434Cys (NM_005964.5); short protein forms R434C, R443C, R444C.
Identifiers: ClinVar variation 3392906 (VCV003392906.1).